The following is an entry in ClinVar:

NM_022124.6(CDH23):c.7249G>C (p.Val2417Leu)

Gene: CDH23 (cadherin related 23; plus strand). Cytogenetic location: 10q22.1.
Variant type: single nucleotide variant.
Coding change: c.7249G>C on transcript NM_022124.6 (MANE Select); coding-DNA position 7249, G replaced by C.
Protein change: p.Val2417Leu; replaces valine 2417 with leucine.
Molecular consequence: missense variant.
Genome position (GRCh38, 1-based): chr10:71,799,516, G>C. VCF-style: chr10-71799516-G-C. GRCh37 (hg19) VCF-style: chr10-73559273-G-C.
Other names: c.529G>C, p.Val177Leu (NM_001171933.1, NM_001171934.1); short protein forms V177L, V2417L.
Identifiers: ClinVar variation 1385214 (VCV001385214.7), dbSNP rs1334398591, ClinGen allele CA377159203.

ClinVar aggregate classification (germline): Uncertain significance (1 of 4 stars; one submission).

Submission:

Labcorp Genetics (formerly Invitae), Labcorp
Classification: Uncertain significance. Last evaluated: 2024-07-22. Review status: criteria provided, single submitter. Criteria: Invitae Variant Classification Sherloc (09022015). Collection method: clinical testing. Allele origin: germline.
Comment: This sequence change replaces valine, which is neutral and non-polar, with leucine, which is neutral and non-polar, at codon 2417 of the CDH23 protein (p.Val2417Leu). This variant is not present in population databases (gnomAD no frequency). This variant has not been reported in the literature in individuals affected with CDH23-related conditions. ClinVar contains an entry for this variant (Variation ID: 1385214). Advanced modeling of protein sequence and biophysical properties (such as structural, functional, and spatial information, amino acid conservation, physicochemical variation, residue mobility, and thermodynamic stability) performed at Invitae indicates that this missense variant is not expected to disrupt CDH23 protein function with a negative predictive value of 95%. In summary, the available evidence is currently insufficient to determine the role of this variant in disease. Therefore, it has been classified as a Variant of Uncertain Significance.